The following is an entry in ClinVar:

ClinVar aggregate classification (germline): Conflicting classifications of pathogenicity. Review status: criteria provided, conflicting classifications (1 of 4 stars). 2 submissions from 2 submitters: Uncertain significance (1); Likely benign (1). Last evaluated 2026-03-27.

Conditions:
Charcot-Marie-Tooth disease axonal type 2O. Also called: CHARCOT-MARIE-TOOTH NEUROPATHY, AXONAL, TYPE 2O; CHARCOT-MARIE-TOOTH DISEASE, AXONAL, AUTOSOMAL DOMINANT, TYPE 2O; Charcot-Marie-Tooth Neuropathy Type 2O; Charcot-Marie-Tooth disease, axonal, type 20. Identifiers: Orphanet 284232, MedGen C3280220, MONDO:0013644, OMIM 614228.
DYNC1H1-related disorder. Also called: DYNC1H1-related disorders; DYNC1H1-related condition. Identifiers: MedGen CN381529.

Allele frequency attached by ClinVar (database versions not stated): ExAC 0.00001; gnomAD 0.00001; gnomAD exomes 0.00002; TOPMed 0.00003.
gnomAD v4.1: 10 of 1,614,120 alleles (0.00062%); highest among the groups gnomAD compares: Non-Finnish European, 0.00085%; no homozygotes.

Submissions (2):

PreventionGenetics, part of Exact Sciences
Classification: Uncertain significance for DYNC1H1-related condition. Last evaluated: 2026-03-27. Review status: criteria provided, single submitter. Criteria: ACMG Guidelines, 2015. Collection method: clinical testing. Allele origin: germline.
Comment: The DYNC1H1 c.12005T>C variant is predicted to result in the amino acid substitution p.Leu4002Ser. To our knowledge, this variant has not been reported in the literature. This variant is reported in 0.0044% of alleles in individuals of European (Non-Finnish) descent in gnomAD. At this time, the clinical significance of this variant is uncertain due to the absence of conclusive functional and genetic evidence.

Labcorp Genetics (formerly Invitae), Labcorp
Classification: Likely benign for Charcot-Marie-Tooth disease axonal type 2O. Last evaluated: 2025-09-22. Review status: criteria provided, single submitter. Criteria: Invitae Variant Classification Sherloc (09022015). Collection method: clinical testing. Allele origin: germline.

NM_001376.5(DYNC1H1):c.12005T>C (p.Leu4002Ser)

Gene: DYNC1H1 (dynein cytoplasmic 1 heavy chain 1; plus strand). Cytogenetic location: 14q32.31.
Variant type: single nucleotide variant.
Coding change: c.12005T>C on transcript NM_001376.5 (MANE Select); coding-DNA position 12005, T replaced by C.
Protein change: p.Leu4002Ser; replaces leucine 4002 with serine.
Molecular consequence: missense variant.
Genome position (GRCh38, 1-based): chr14:102,041,637, T>C. VCF-style: chr14-102041637-T-C. GRCh37 (hg19) VCF-style: chr14-102507974-T-C.
Other names: c.12005T>C (NM_001376.4); short protein forms L4002S.
Identifiers: ClinVar variation 1042281 (VCV001042281.9), dbSNP rs771049687, ClinGen allele CA7353800.